The following is an entry in ClinVar:

NM_001134831.2(AHI1):c.971A>G (p.His324Arg)

Gene: AHI1 (Abelson helper integration site 1; minus strand). Cytogenetic location: 6q23.3.
Variant type: single nucleotide variant.
Coding change: c.971A>G on transcript NM_001134831.2 (MANE Select); coding-DNA position 971, A replaced by G.
Protein change: p.His324Arg; replaces histidine 324 with arginine.
Molecular consequence: missense variant.
Genome position (GRCh38, 1-based): chr6:135,457,674, T>C on the plus strand (A>G on the coding strand, the complement: AHI1 is on the minus strand). VCF-style: chr6-135457674-T-C. GRCh37 (hg19) VCF-style: chr6-135778812-T-C.
Other names: c.971A>G, p.His324Arg (NM_001134830.2, NM_001134832.2, NM_001350503.2 and 2 more transcripts); short protein forms H324R.
Identifiers: ClinVar variation 1001862 (VCV001001862.7), dbSNP rs1789192683, ClinGen allele CA365747961.

ClinVar aggregate classification (germline): Uncertain significance. Review status: criteria provided, multiple submitters, no conflicts (2 of 4 stars). 2 submissions from 2 submitters: Uncertain significance (2). Last evaluated 2024-10-25.

Conditions:
Joubert syndrome. Also called: Familial aplasia of the vermis; CEREBELLOPARENCHYMAL DISORDER IV; JOUBERT-BOLTSHAUSER SYNDROME. Identifiers: Orphanet 475, MedGen C5979921, MONDO:0018772.
Joubert syndrome 3 (JBTS3). Also called: AHI1-related Ciliopathy. Identifiers: Orphanet 220493, MedGen C1837713, MONDO:0012078, OMIM 608629.

Allele frequency attached by ClinVar (database versions not stated): gnomAD exomes 0.00001.
gnomAD v4.1: 7 of 1,613,932 alleles (0.00043%); highest among the groups gnomAD compares: Middle Eastern, 0.016%; no homozygotes.

Submissions (2):

Labcorp Genetics (formerly Invitae), Labcorp
Classification: Uncertain significance for Joubert syndrome. Last evaluated: 2024-10-25. Review status: criteria provided, single submitter. Criteria: Invitae Variant Classification Sherloc (09022015). Collection method: clinical testing. Allele origin: germline.
Comment: This sequence change replaces histidine, which is basic and polar, with arginine, which is basic and polar, at codon 324 of the AHI1 protein (p.His324Arg). This variant is not present in population databases (gnomAD no frequency). This variant has not been reported in the literature in individuals affected with AHI1-related conditions. ClinVar contains an entry for this variant (Variation ID: 1001862). Invitae Evidence Modeling of protein sequence and biophysical properties (such as structural, functional, and spatial information, amino acid conservation, physicochemical variation, residue mobility, and thermodynamic stability) indicates that this missense variant is not expected to disrupt AHI1 protein function with a negative predictive value of 95%. In summary, the available evidence is currently insufficient to determine the role of this variant in disease. Therefore, it has been classified as a Variant of Uncertain Significance.

Fulgent Genetics
Classification: Uncertain significance for Joubert syndrome 3. Last evaluated: 2021-07-25. Review status: criteria provided, single submitter. Criteria: ACMG Guidelines, 2015. Collection method: clinical testing. Allele origin: unknown.